The following is an entry in ClinVar:

NM_000284.4(PDHA1):c.923A>C (p.Gln308Pro)

Gene: PDHA1 (pyruvate dehydrogenase E1 subunit alpha 1; plus strand). Cytogenetic location: Xp22.12.
Variant type: single nucleotide variant.
Coding change: c.923A>C on transcript NM_000284.4 (MANE Select); coding-DNA position 923, A replaced by C.
Protein change: p.Gln308Pro; replaces glutamine 308 with proline.
Molecular consequence: missense variant.
Genome position (GRCh38, 1-based): chrX:19,358,939, A>C. VCF-style: chrX-19358939-A-C. GRCh37 (hg19) VCF-style: chrX-19377057-A-C.
Other names: c.1037A>C, p.Gln346Pro (NM_001173454.2); c.944A>C, p.Gln315Pro (NM_001173455.2); c.830A>C, p.Gln277Pro (NM_001173456.2); short protein forms Q315P, Q277P, Q308P, Q346P.
Identifiers: ClinVar variation 5008746 (VCV005008746.1).

ClinVar aggregate classification (germline): Uncertain significance (1 of 4 stars; one submission).

Submission:

GeneDx
Classification: Uncertain significance. Last evaluated: 2026-03-10. Review status: criteria provided, single submitter. Criteria: GeneDx Variant Classification Process June 2021. Collection method: clinical testing. Allele origin: germline.
Comment: Not observed at significant frequency in large population cohorts (gnomAD); In silico analysis supports that this missense variant has a deleterious effect on protein structure/function; Has not been previously published as pathogenic or benign to our knowledge